The following is an entry in ClinVar:

ClinVar aggregate classification (germline): Uncertain significance. Review status: criteria provided, multiple submitters, no conflicts (2 of 4 stars). 3 submissions from 3 submitters: Uncertain significance (3). Last evaluated 2026-01-08.

Conditions:
PROM1-related disorder. Also called: PROM1-related condition; PROM1-related disorders.

gnomAD v4.1: 9 of 1,613,728 alleles (0.00056%); highest among the groups gnomAD compares: African/African-American, 0.012%; no homozygotes.

Submissions (3):

Labcorp Genetics (formerly Invitae), Labcorp
Classification: Uncertain significance. Last evaluated: 2026-01-08. Review status: criteria provided, single submitter. Criteria: Invitae Variant Classification Sherloc (09022015). Collection method: clinical testing. Allele origin: germline.
Comment: This sequence change replaces methionine, which is neutral and non-polar, with threonine, which is neutral and polar, at codon 859 of the PROM1 protein (p.Met859Thr). This variant is present in population databases (no rsID available, gnomAD 0.01%). This variant has not been reported in the literature in individuals affected with PROM1-related conditions. An algorithm developed to predict the effect of missense changes on protein structure and function (PolyPhen-2) suggests that this variant is likely to be disruptive. In summary, the available evidence is currently insufficient to determine the role of this variant in disease. Therefore, it has been classified as a Variant of Uncertain Significance.

PreventionGenetics, part of Exact Sciences
Classification: Uncertain significance for PROM1-related condition. Last evaluated: 2025-01-24. Review status: criteria provided, single submitter. Criteria: ACMG Guidelines, 2015. Collection method: clinical testing. Allele origin: germline.
Comment: The PROM1 c.2576T>C variant is predicted to result in the amino acid substitution p.Met859Thr. To our knowledge, this variant has not been reported in the literature. This variant is reported in 0.013% of alleles in individuals of African descent in gnomAD. At this time, the clinical significance of this variant is uncertain due to the absence of conclusive functional and genetic evidence.

Blueprint Genetics
Classification: Uncertain significance. Last evaluated: 2019-10-08. Review status: criteria provided, single submitter. Criteria: ACMG Guidelines, 2015. Collection method: clinical testing. Allele origin: germline.

NM_006017.3(PROM1):c.2576T>C (p.Met859Thr)

Gene: PROM1 (prominin 1; minus strand). Cytogenetic location: 4p15.32.
Variant type: single nucleotide variant.
Coding change: c.2576T>C on transcript NM_006017.3 (MANE Select); coding-DNA position 2576, T replaced by C.
Protein change: p.Met859Thr; replaces methionine 859 with threonine.
Molecular consequence: missense variant. On other transcripts: intron variant (6), non-coding transcript variant (2).
Genome position (GRCh38, 1-based): chr4:15,979,401, A>G on the plus strand (T>C on the coding strand, the complement: PROM1 is on the minus strand). VCF-style: chr4-15979401-A-G. GRCh37 (hg19) VCF-style: chr4-15981024-A-G.
Other names: c.2462+1021T>C (NM_001145852.2, NM_001371408.1, NM_001371407.1); c.2489+1021T>C (NM_001145850.2); c.2486+480T>C (NM_001145851.2); c.2513+480T>C (NM_001145849.2); c.2549T>C, p.Met850Thr (NM_001145847.2, NM_001145848.2, NM_001371406.1); c.2546T>C, p.Met849Thr (NM_001441173.1); c.2465T>C, p.Met822Thr (NM_001441174.1); c.2456T>C, p.Met819Thr (NM_001441175.1, NM_001441176.1); and 4 more; short protein forms M737T, M822T, M849T, M819T, M859T, M795T, M815T, M850T.
Identifiers: ClinVar variation 4701414 (VCV004701414.3).